The following is an entry in ClinVar:

NC_000021.8:g.(?_37133458)_(38311203_?)dup

Genes: CHAF1B (chromatin assembly factor 1 subunit B; plus strand), MORC3 (MORC family CW-type zinc finger 3; plus strand), CBR3 (carbonyl reductase 3; plus strand), SIM2 (SIM bHLH transcription factor 2; plus strand), SETD4 (SET domain containing 4; minus strand) and 4 more. Cytogenetic location: 21q22.12-22.13.
Variant type: Duplication.
Identifiers: ClinVar variation 666223 (VCV000666223.4).

ClinVar aggregate classification (germline): Uncertain significance (1 of 4 stars; one submission).

Conditions:
Holocarboxylase synthetase deficiency. Also called: MULTIPLE CARBOXYLASE DEFICIENCY, EARLY ONSET. Identifiers: Orphanet 79242, MedGen C0268581, MONDO:0009666, OMIM 253270.

Submission:

Labcorp Genetics (formerly Invitae), Labcorp
Classification: Uncertain significance for Holocarboxylase synthetase deficiency. Last evaluated: 2022-10-13. Review status: criteria provided, single submitter. Criteria: Invitae Variant Classification Sherloc (09022015). Collection method: clinical testing. Allele origin: germline.
Comment: A copy number gain of the genomic region encompassing the full coding sequence of the HLCS gene has been identified. The boundaries of this event are unknown as they extend beyond the assayed region for this gene and therefore may encompass additional genes. As the precise location of this event is unknown, it may be in tandem or it may be located elsewhere in the genome. This variant has not been reported in the literature in individuals affected with HLCS-related conditions. In summary, the available evidence is currently insufficient to determine the role of this variant in disease. Therefore, it has been classified as a Variant of Uncertain Significance.